The following is an entry in ClinVar:

ClinVar aggregate classification (germline): Uncertain significance. Review status: criteria provided, multiple submitters, no conflicts (2 of 4 stars). 5 submissions from 5 submitters: Uncertain significance (3). 2 of the submissions do not count toward it. Last evaluated 2025-02-19.

Conditions:
BBS10-related disorder. Also called: BBS10-related condition.
Bardet-Biedl syndrome (BBS). Identifiers: Orphanet 110, MedGen C0752166, MONDO:0015229.
Bardet-Biedl syndrome 10 (BBS10). Identifiers: Orphanet 110, MedGen C1859568, MONDO:0014438, OMIM 615987.

Allele frequency attached by ClinVar (database versions not stated): gnomAD 0.00001; gnomAD exomes 0.00001; TOPMed 0.00001; ExAC 0.00002.
gnomAD v4.1: 2 of 1,613,924 alleles (0.00012%); highest among the groups gnomAD compares: African/African-American, 0.0013%; no homozygotes.

Submissions (5):

PreventionGenetics, part of Exact Sciences
Classification: Uncertain significance for BBS10-related condition. Last evaluated: 2025-02-19. Review status: criteria provided, single submitter. Criteria: ACMG Guidelines, 2015. Collection method: clinical testing. Allele origin: germline.
Comment: The BBS10 c.1144G>T variant is predicted to result in the amino acid substitution p.Val382Phe. To our knowledge, this variant has not been reported in the literature. This variant is reported in 0.0062% of alleles in individuals of African descent in gnomAD. At this time, the clinical significance of this variant is uncertain due to the absence of conclusive functional and genetic evidence.

Pittsburgh Clinical Genomics Laboratory, University of Pittsburgh Medical Center
Classification: Uncertain significance for Bardet-Biedl syndrome 10. Last evaluated: 2024-04-24. Review status: criteria provided, single submitter. Criteria: ACMG Guidelines, 2015. Collection method: clinical testing. Allele origin: germline. Inheritance: Autosomal recessive inheritance. Affected: yes.
Comment: This sequence variant is a single nucleotide substitution (G>T) at position 1144 of the coding sequence of the BBS10 gene that results in a valine to phenylalanine amino acid change at residue 382 of the Bardet-Biedl syndrome 10 protein. This is a previously reported variant (ClinVar 216764) that has not been observed in the literature in individuals affected by Bardet-Biedl syndrome, to our knowledge. This variant is present in 2 of 1613924 alleles (0.0001239%) in the gnomAD v4.0.0 population dataset. Multiple bioinformatic tools predict that this valine to phenylalanine amino acid change would be damaging, and the Val382 residue at this position is highly conserved across the vertebrate species examined. Studies examining the functional consequence of this variant have not been performed, to our knowledge. At this time, there is insufficient evidence to determine if this variant is pathogenic or benign. Therefore, we consider this a variant of uncertain significance. ACMG Criteria: PM2, PP3, PP4

Labcorp Genetics (formerly Invitae), Labcorp
Classification: Uncertain significance for Bardet-Biedl syndrome. Last evaluated: 2021-08-12. Review status: criteria provided, single submitter. Criteria: Invitae Variant Classification Sherloc (09022015). Collection method: clinical testing. Allele origin: germline.
Comment: This sequence change replaces valine with phenylalanine at codon 382 of the BBS10 protein (p.Val382Phe). The valine residue is highly conserved and there is a small physicochemical difference between valine and phenylalanine. This variant has not been reported in the literature in individuals affected with BBS10-related conditions. In summary, the available evidence is currently insufficient to determine the role of this variant in disease. Therefore, it has been classified as a Variant of Uncertain Significance.

Natera, Inc.
Classification: Uncertain significance for Bardet-Biedl syndrome type 10. Last evaluated: 2021-10-19. Review status: no assertion criteria provided. Collection method: clinical testing. Allele origin: germline. Not counted in ClinVar's aggregate classification.

Counsyl
Classification: Uncertain significance for Bardet-Biedl syndrome 10. Last evaluated: 2017-11-14. Review status: no assertion criteria provided. Collection method: clinical testing. Allele origin: unknown. Not counted in ClinVar's aggregate classification.

NM_024685.4(BBS10):c.1144G>T (p.Val382Phe)

Gene: BBS10 (Bardet-Biedl syndrome 10; minus strand). Cytogenetic location: 12q21.2.
Variant type: single nucleotide variant.
Coding change: c.1144G>T on transcript NM_024685.4 (MANE Select); coding-DNA position 1144, G replaced by T.
Protein change: p.Val382Phe; replaces valine 382 with phenylalanine.
Molecular consequence: missense variant.
Genome position (GRCh38, 1-based): chr12:76,346,841, C>A on the plus strand (G>T on the coding strand, the complement: BBS10 is on the minus strand). VCF-style: chr12-76346841-C-A. GRCh37 (hg19) VCF-style: chr12-76740621-C-A.
Other names: c.1144G>T, p.Val382Phe (LRG_1255t1); short protein forms V382F.
Identifiers: ClinVar variation 216764 (VCV000216764.8), dbSNP rs775492103, ClinGen allele CA339481.